The following is an entry in ClinVar:

ClinVar aggregate classification (germline): Uncertain significance (1 of 4 stars; one submission).

Submission:

GeneDx
Classification: Uncertain significance. Last evaluated: 2019-07-22. Review status: criteria provided, single submitter. Criteria: GeneDx Variant Classification Process June 2021. Collection method: clinical testing. Allele origin: germline. Affected: yes.
Comment: Not observed in large population cohorts (Lek 2016); In silico analysis, which includes protein predictors and evolutionary conservation, supports that this variant does not alter protein structure/function; Has not been previously published as pathogenic or benign to our knowledge

NM_001042492.3(NF1):c.7690A>C (p.Thr2564Pro)

Gene: NF1 (neurofibromin 1; plus strand). Cytogenetic location: 17q11.2.
Variant type: single nucleotide variant.
Coding change: c.7690A>C on transcript NM_001042492.3 (MANE Select); coding-DNA position 7690, A replaced by C.
Protein change: p.Thr2564Pro; replaces threonine 2564 with proline.
Molecular consequence: missense variant.
Genome position (GRCh38, 1-based): chr17:31,356,534, A>C. VCF-style: chr17-31356534-A-C. GRCh37 (hg19) VCF-style: chr17-29683552-A-C.
Other names: c.7627A>C, p.Thr2543Pro (NM_000267.4); short protein forms T2543P, T2564P.
Identifiers: ClinVar variation 1320397 (VCV001320397.2), dbSNP rs2151581238, ClinGen allele CA399018138.